The following is an entry in ClinVar:

NM_139319.3(SLC17A8):c.886A>T (p.Asn296Tyr)

Gene: SLC17A8 (solute carrier family 17 member 8; plus strand). Cytogenetic location: 12q23.1.
Variant type: single nucleotide variant.
Coding change: c.886A>T on transcript NM_139319.3 (MANE Select); coding-DNA position 886, A replaced by T.
Protein change: p.Asn296Tyr; replaces asparagine 296 with tyrosine.
Molecular consequence: missense variant.
Genome position (GRCh38, 1-based): chr12:100,402,462, A>T. VCF-style: chr12-100402462-A-T. GRCh37 (hg19) VCF-style: chr12-100796240-A-T.
Other names: c.886A>T, p.Asn296Tyr (NM_001145288.2); short protein forms N296Y.
Identifiers: ClinVar variation 2550971 (VCV002550971.4), dbSNP rs1421761878, ClinGen allele CA386218951.

ClinVar aggregate classification (germline): Uncertain significance. Review status: criteria provided, multiple submitters, no conflicts (2 of 4 stars). 3 submissions from 3 submitters: Uncertain significance (3). Last evaluated 2026-09-17.

Conditions:
Inborn genetic diseases. Identifiers: MedGen C0950123, MeSH D030342.
SLC17A8-related disorder. Also called: SLC17A8-related condition.

Allele frequency attached by ClinVar (database versions not stated): gnomAD 0.00001; gnomAD exomes 0.00001; TOPMed 0.00001.
gnomAD v4.1: 12 of 1,614,034 alleles (0.00074%); highest among the groups gnomAD compares: African/African-American, 0.0013%; no homozygotes.

Submissions (3):

PreventionGenetics, part of Exact Sciences
Classification: Uncertain significance for SLC17A8-related condition. Last evaluated: 2026-09-17. Review status: criteria provided, single submitter. Criteria: ACMG Guidelines, 2015. Collection method: clinical testing. Allele origin: germline.
Comment: The SLC17A8 c.886A>T variant is predicted to result in the amino acid substitution p.Asn296Tyr. To our knowledge, this variant has not been reported in the literature or in a large population database (gnomAD), indicating this variant is rare. At this time, the clinical significance of this variant is uncertain due to the absence of conclusive functional and genetic evidence.

GeneDx
Classification: Uncertain significance. Last evaluated: 2025-05-16. Review status: criteria provided, single submitter. Criteria: GeneDx Variant Classification Process June 2021. Collection method: clinical testing. Allele origin: germline. Affected: yes.
Comment: Not observed at significant frequency in large population cohorts (gnomAD); In silico analysis supports that this missense variant has a deleterious effect on protein structure/function; Has not been previously published as pathogenic or benign to our knowledge

Ambry Genetics
Classification: Uncertain significance for Inborn genetic diseases. Last evaluated: 2023-05-24. Review status: criteria provided, single submitter. Criteria: Ambry Variant Classification Scheme 2023. Collection method: clinical testing. Allele origin: germline.